The following is an entry in ClinVar:

ClinVar aggregate classification (germline): Conflicting classifications of pathogenicity. Review status: criteria provided, conflicting classifications (1 of 4 stars). 2 submissions from 2 submitters: Uncertain significance (1); Likely benign (1). Last evaluated 2026-01-19.

Conditions:
Baller-Gerold syndrome (BGS). Also called: CRANIOSYNOSTOSIS WITH RADIAL DEFECTS. Identifiers: Orphanet 1225, MedGen C0265308, MONDO:0009039, OMIM 218600.

Allele frequency attached by ClinVar (database versions not stated): gnomAD exomes 0.00004; ExAC 0.00005; gnomAD 0.00005 and 0.00004; TOPMed 0.00007; 1000 Genomes Project 0.00020; 1000 Genomes Project 30x 0.00016.
gnomAD v4.1: 38 of 1,611,996 alleles (0.0024%); highest among the groups gnomAD compares: Middle Eastern, 0.05%; no homozygotes.

Submissions (2):

Dasa
Classification: Likely benign. Last evaluated: 2026-01-19. Review status: criteria provided, single submitter. Criteria: DASA Assertion Criteria. Collection method: clinical testing. Allele origin: germline.
Comment: NM_004260.4(RECQL4):c.2816C>T (p.Ala939Val) is a missense variant that results in the substitution of alanine with valine. The variant context is inconsistent with a known disease-causing mechanism. Computational prediction algorithms are consistent with a benign effect. Therefore, based on the currently available evidence, this variant is classified as likely benign.

Labcorp Genetics (formerly Invitae), Labcorp
Classification: Uncertain significance for Baller-Gerold syndrome. Last evaluated: 2025-12-14. Review status: criteria provided, single submitter. Criteria: Invitae Variant Classification Sherloc (09022015). Collection method: clinical testing. Allele origin: germline.
Comment: This sequence change replaces alanine, which is neutral and non-polar, with valine, which is neutral and non-polar, at codon 939 of the RECQL4 protein (p.Ala939Val). This variant is present in population databases (rs561220929, gnomAD 0.01%). This variant has not been reported in the literature in individuals affected with RECQL4-related conditions. ClinVar contains an entry for this variant (Variation ID: 407016). Invitae Evidence Modeling of protein sequence and biophysical properties (such as structural, functional, and spatial information, amino acid conservation, physicochemical variation, residue mobility, and thermodynamic stability) indicates that this missense variant is not expected to disrupt RECQL4 protein function with a negative predictive value of 80%. In summary, the available evidence is currently insufficient to determine the role of this variant in disease. Therefore, it has been classified as a Variant of Uncertain Significance.

NM_004260.4(RECQL4):c.2816C>T (p.Ala939Val)

Gene: RECQL4 (RecQ like helicase 4; minus strand). Cytogenetic location: 8q24.3.
Variant type: single nucleotide variant.
Coding change: c.2816C>T on transcript NM_004260.4 (MANE Select); coding-DNA position 2816, C replaced by T.
Protein change: p.Ala939Val; replaces alanine 939 with valine.
Molecular consequence: missense variant.
Genome position (GRCh38, 1-based): chr8:144,512,711, G>A on the plus strand (C>T on the coding strand, the complement: RECQL4 is on the minus strand). VCF-style: chr8-144512711-G-A. GRCh37 (hg19) VCF-style: chr8-145738094-G-A.
Other names: short protein forms A939V.
Identifiers: ClinVar variation 407016 (VCV000407016.11), dbSNP rs561220929, ClinGen allele CA4948066.